The following is an entry in ClinVar:

ClinVar aggregate classification (germline): Likely benign. Review status: criteria provided, multiple submitters, no conflicts (2 of 4 stars). 3 submissions from 3 submitters: Likely benign (2). 1 of the submissions does not count toward it. Last evaluated 2026-01-12.

Conditions:
MSH3-related disorder. Also called: MSH3-related condition.

Allele frequency attached by ClinVar (database versions not stated): gnomAD exomes 0.00002; ExAC 0.00003; TOPMed 0.00006; ESP Exome Variant Server 0.00008; gnomAD 0.00016.
gnomAD v4.1: 38 of 1,606,870 alleles (0.0024%); highest among the groups gnomAD compares: African/African-American, 0.033%; no homozygotes.

Submissions (3):

Labcorp Genetics (formerly Invitae), Labcorp
Classification: Likely benign. Last evaluated: 2026-01-12. Review status: criteria provided, single submitter. Criteria: Invitae Variant Classification Sherloc (09022015). Collection method: clinical testing. Allele origin: germline.

Quest Diagnostics Nichols Institute San Juan Capistrano
Classification: Likely benign. Last evaluated: 2021-08-03. Review status: criteria provided, single submitter. Criteria: Quest Diagnostics criteria. Collection method: clinical testing. Allele origin: unknown.

PreventionGenetics, part of Exact Sciences
Classification: Likely benign for MSH3-related condition. Last evaluated: 2022-03-11. Review status: no assertion criteria provided. Collection method: clinical testing. Allele origin: germline. Not counted in ClinVar's aggregate classification.
Comment: This variant is classified as likely benign based on ACMG/AMP sequence variant interpretation guidelines (Richards et al. 2015 PMID: 25741868, with internal and published modifications).

NM_002439.5(MSH3):c.3000+10C>T

Gene: MSH3 (mutS homolog 3; plus strand). Cytogenetic location: 5q14.1.
Variant type: single nucleotide variant.
Coding change: c.3000+10C>T on transcript NM_002439.5 (MANE Select); 10 bases into the intron after coding-DNA position 3000, C replaced by T.
Molecular consequence: intron variant.
Genome position (GRCh38, 1-based): chr5:80,854,326, C>T. VCF-style: chr5-80854326-C-T. GRCh37 (hg19) VCF-style: chr5-80150145-C-T.
Identifiers: ClinVar variation 757937 (VCV000757937.13), dbSNP rs371690056, ClinGen allele CA3328415.